The following is an entry in ClinVar:

ClinVar aggregate classification (germline): Uncertain significance. Review status: criteria provided, multiple submitters, no conflicts (2 of 4 stars). 2 submissions from 2 submitters: Uncertain significance (2). Last evaluated 2025-04-14.

Conditions:
Smith-Lemli-Opitz syndrome (SLOS). Also called: RSH SYNDROME; RUTLEDGE LETHAL MULTIPLE CONGENITAL ANOMALY SYNDROME; 7-Dehydrocholesterol reductase deficiency; LETHAL ACRODYSGENITAL SYNDROME; POLYDACTYLY, SEX REVERSAL, RENAL HYPOPLASIA, AND UNILOBAR LUNG. Identifiers: Orphanet 818, MedGen C0175694, MONDO:0010035, OMIM 270400.

Allele frequency attached by ClinVar (database versions not stated): gnomAD 0.00001; gnomAD exomes 0.00002; ExAC 0.00003; TOPMed 0.00003; ESP Exome Variant Server 0.00008.

Submissions (2):

Labcorp Genetics (formerly Invitae), Labcorp
Classification: Uncertain significance for Smith-Lemli-Opitz syndrome. Last evaluated: 2025-04-14. Review status: criteria provided, single submitter. Criteria: Invitae Variant Classification Sherloc (09022015). Collection method: clinical testing. Allele origin: germline.
Comment: This sequence change replaces aspartic acid, which is acidic and polar, with asparagine, which is neutral and polar, at codon 310 of the DHCR7 protein (p.Asp310Asn). This variant is present in population databases (rs370955781, gnomAD 0.01%). This variant has not been reported in the literature in individuals affected with DHCR7-related conditions. ClinVar contains an entry for this variant (Variation ID: 2069116). Invitae Evidence Modeling of protein sequence and biophysical properties (such as structural, functional, and spatial information, amino acid conservation, physicochemical variation, residue mobility, and thermodynamic stability) has been performed for this missense variant. However, the output from this modeling did not meet the statistical confidence thresholds required to predict the impact of this variant on DHCR7 protein function. In summary, the available evidence is currently insufficient to determine the role of this variant in disease. Therefore, it has been classified as a Variant of Uncertain Significance.

Fulgent Genetics
Classification: Uncertain significance for Smith-Lemli-Opitz syndrome. Last evaluated: 2024-02-22. Review status: criteria provided, single submitter. Criteria: ACMG Guidelines, 2015. Collection method: clinical testing. Allele origin: germline.

NM_001360.3(DHCR7):c.928G>A (p.Asp310Asn)

Gene: DHCR7 (7-dehydrocholesterol reductase; minus strand). Cytogenetic location: 11q13.4.
Variant type: single nucleotide variant.
Coding change: c.928G>A on transcript NM_001360.3 (MANE Select); coding-DNA position 928, G replaced by A.
Protein change: p.Asp310Asn; replaces aspartic acid 310 with asparagine.
Molecular consequence: missense variant.
Genome position (GRCh38, 1-based): chr11:71,437,847, C>T on the plus strand (G>A on the coding strand, the complement: DHCR7 is on the minus strand). VCF-style: chr11-71437847-C-T. GRCh37 (hg19) VCF-style: chr11-71148893-C-T.
Other names: c.928G>A, p.Asp310Asn (NM_001163817.2); short protein forms D310N.
Identifiers: ClinVar variation 2069116 (VCV002069116.4), dbSNP rs370955781, ClinGen allele CA6162401.